The following is an entry in ClinVar:

ClinVar aggregate classification (germline): Uncertain significance. Review status: criteria provided, multiple submitters, no conflicts (2 of 4 stars). 2 submissions from 2 submitters: Uncertain significance (2). Last evaluated 2024-10-08.

Conditions:
Epileptic encephalopathy. Identifiers: MedGen C0543888, HP:0200134.

gnomAD v4.1: 11 of 1,611,464 alleles (0.00068%); highest among the groups gnomAD compares: Non-Finnish European, 0.00093%; no homozygotes.

Submissions (2):

Ambry Genetics
Classification: Uncertain significance. Last evaluated: 2024-10-08. Review status: criteria provided, single submitter. Criteria: Ambry Variant Classification Scheme 2023. Collection method: clinical testing. Allele origin: germline.

Labcorp Genetics (formerly Invitae), Labcorp
Classification: Uncertain significance for Epileptic encephalopathy. Last evaluated: 2024-01-02. Review status: criteria provided, single submitter. Criteria: Invitae Variant Classification Sherloc (09022015). Collection method: clinical testing. Allele origin: germline.
Comment: This sequence change replaces glycine, which is neutral and non-polar, with cysteine, which is neutral and slightly polar, at codon 1465 of the FASN protein (p.Gly1465Cys). The frequency data for this variant in the population databases is considered unreliable, as metrics indicate poor data quality at this position in the gnomAD database. This variant has not been reported in the literature in individuals affected with FASN-related conditions. ClinVar contains an entry for this variant (Variation ID: 1947597). An algorithm developed to predict the effect of missense changes on protein structure and function (PolyPhen-2) suggests that this variant is likely to be disruptive. In summary, the available evidence is currently insufficient to determine the role of this variant in disease. Therefore, it has been classified as a Variant of Uncertain Significance.

NM_004104.5(FASN):c.4393G>T (p.Gly1465Cys)

Gene: FASN (fatty acid synthase; minus strand). Cytogenetic location: 17q25.3.
Variant type: single nucleotide variant.
Coding change: c.4393G>T on transcript NM_004104.5 (MANE Select); coding-DNA position 4393, G replaced by T.
Protein change: p.Gly1465Cys; replaces glycine 1465 with cysteine.
Molecular consequence: missense variant.
Genome position (GRCh38, 1-based): chr17:82,085,051, C>A on the plus strand (G>T on the coding strand, the complement: FASN is on the minus strand). VCF-style: chr17-82085051-C-A. GRCh37 (hg19) VCF-style: chr17-80042927-C-A.
Other names: c.4393G>T (NM_004104.4); short protein forms G1465C.
Identifiers: ClinVar variation 1947597 (VCV001947597.6), dbSNP rs763072807, ClinGen allele CA401546921.